The following is an entry in ClinVar:

NM_000540.3(RYR1):c.14086G>A (p.Asp4696Asn)

Gene: RYR1 (ryanodine receptor 1; plus strand). Cytogenetic location: 19q13.2.
Variant type: single nucleotide variant.
Coding change: c.14086G>A on transcript NM_000540.3 (MANE Select); coding-DNA position 14086, G replaced by A.
Protein change: p.Asp4696Asn; replaces aspartic acid 4696 with asparagine.
Molecular consequence: missense variant.
Genome position (GRCh38, 1-based): chr19:38,573,264, G>A. VCF-style: chr19-38573264-G-A. GRCh37 (hg19) VCF-style: chr19-39063904-G-A.
Other names: c.14071G>A, p.Asp4691Asn (NM_001042723.2); short protein forms D4691N, D4696N.
Identifiers: ClinVar variation 4629743 (VCV004629743.2).

ClinVar aggregate classification (germline): Uncertain significance. Review status: criteria provided, multiple submitters, no conflicts (2 of 4 stars). 2 submissions from 2 submitters: Uncertain significance (2). Last evaluated 2025-11-05.

Conditions:
Inborn genetic diseases. Identifiers: MedGen C0950123, MeSH D030342.
Malignant hyperthermia, susceptibility to, 1 (MHS1). Also called: Malignant hyperthermia suceptibility 1; Anesthesia related hyperthermia; Malignant hyperpyrexia; Fulminating hyperpyrexia; Pharmacogenic myopathy; RYR1-Related Malignant Hyperthermia Susceptibility. Identifiers: Orphanet 423, MedGen C2930980, MONDO:0007783, OMIM 145600.

gnomAD v4.1: 16 of 1,613,868 alleles (0.00099%); highest among the groups gnomAD compares: African/African-American, 0.008%; no homozygotes.

Submissions (2):

Ambry Genetics
Classification: Uncertain significance for Inborn genetic diseases. Last evaluated: 2025-11-05. Review status: criteria provided, single submitter. Criteria: Ambry Variant Classification Scheme 2023. Collection method: clinical testing. Allele origin: germline.

Color Diagnostics, LLC DBA Color Health
Classification: Uncertain significance for Malignant hyperthermia, susceptibility to, 1. Last evaluated: 2024-02-28. Review status: criteria provided, single submitter. Criteria: ACMG Guidelines, 2015. Collection method: clinical testing. Allele origin: germline.
Comment: This missense variant replaces aspartic acid with asparagine at codon 4696 of the RYR1 protein. Computational prediction suggests that this variant may have deleterious impact on protein structure and function. To our knowledge, functional studies have not been reported for this variant. This variant has not been reported in individuals affected with RYR1-related disorders in the literature. This variant has been identified in 6/282614 chromosomes in the general population by the Genome Aggregation Database (gnomAD). The available evidence is insufficient to determine the role of this variant in disease conclusively. Therefore, this variant is classified as a Variant of Uncertain Significance.